The following is an entry in ClinVar:

ClinVar aggregate classification (germline): Conflicting classifications of pathogenicity. Review status: criteria provided, conflicting classifications (1 of 4 stars). 4 submissions from 4 submitters: Uncertain significance (2); Likely benign (2). Last evaluated 2026-01-25.

Conditions:
Cardiovascular phenotype. Identifiers: MedGen CN230736.
Cardiomyopathy (CMYO). Also called: Cardiomyopathies. Identifiers: Orphanet 167848, MedGen C0878544, MONDO:0004994, HP:0001638. Inheritance: Various modes of inheritance.
Arrhythmogenic right ventricular dysplasia 10. Also called: ARRHYTHMOGENIC RIGHT VENTRICULAR DYSPLASIA, FAMILIAL, 10; Arrhythmogenic Right Ventricular Dysplasia/Cardiomyopathy10; Arrhythmogenic right ventricular dysplasia/cardiomyopathy, type 10. Identifiers: MedGen C1857777, MONDO:0012434, OMIM 610193.

Allele frequency attached by ClinVar (database versions not stated): TOPMed 0.00005; gnomAD exomes below 0.00001 and 0.00001; gnomAD 0.00002.
gnomAD v4.1: 15 of 1,614,080 alleles (0.00093%); highest among the groups gnomAD compares: African/African-American, 0.015%; no homozygotes.

Submissions (4):

Labcorp Genetics (formerly Invitae), Labcorp
Classification: Uncertain significance for Arrhythmogenic right ventricular dysplasia 10. Last evaluated: 2026-01-25. Review status: criteria provided, single submitter. Criteria: Invitae Variant Classification Sherloc (09022015). Collection method: clinical testing. Allele origin: germline.
Comment: This sequence change replaces leucine, which is neutral and non-polar, with serine, which is neutral and polar, at codon 29 of the DSG2 protein (p.Leu29Ser). This variant is present in population databases (rs786205361, gnomAD 0.008%). This variant has not been reported in the literature in individuals affected with DSG2-related conditions. ClinVar contains an entry for this variant (Variation ID: 191625). Invitae Evidence Modeling of protein sequence and biophysical properties (such as structural, functional, and spatial information, amino acid conservation, physicochemical variation, residue mobility, and thermodynamic stability) indicates that this missense variant is not expected to disrupt DSG2 protein function with a negative predictive value of 95%. In summary, the available evidence is currently insufficient to determine the role of this variant in disease. Therefore, it has been classified as a Variant of Uncertain Significance.

Color Diagnostics, LLC DBA Color Health
Classification: Likely benign for Cardiomyopathy. Last evaluated: 2025-09-30. Review status: criteria provided, single submitter. Criteria: ACMG Guidelines, 2015. Collection method: clinical testing. Allele origin: germline.

Ambry Genetics
Classification: Likely benign for Cardiovascular phenotype. Last evaluated: 2023-08-14. Review status: criteria provided, single submitter. Criteria: Ambry Variant Classification Scheme 2023. Collection method: clinical testing. Allele origin: germline.

Biesecker Lab/Clinical Genomics Section, National Institutes of Health
Classification: Uncertain significance. Last evaluated: 2013-06-24. Review status: criteria provided, single submitter. Criteria: Ng et al. (Circ Cardiovasc Genet. 2013). Collection method: research. Allele origin: unknown. Observed: 1 variant allele. Study: ClinSeq.
Comment: The study set was not selected for affection status in relation to any cancer. Pathogenicity categories were based on literature curation. See Pubmed ID:23861362 for details.

Medical sequencing

Literature cited by the submitters: PubMed 23861362 (cited by Ambry Genetics).

NM_001943.5(DSG2):c.86T>C (p.Leu29Ser)

Gene: DSG2 (desmoglein 2; plus strand). Cytogenetic location: 18q12.1.
Variant type: single nucleotide variant.
Coding change: c.86T>C on transcript NM_001943.5 (MANE Select); coding-DNA position 86, T replaced by C.
Protein change: p.Leu29Ser; replaces leucine 29 with serine.
Molecular consequence: missense variant.
Genome position (GRCh38, 1-based): chr18:31,519,807, T>C. VCF-style: chr18-31519807-T-C. GRCh37 (hg19) VCF-style: chr18-29099770-T-C.
Other names: c.86T>C (LRG_397t1); short protein forms L29S.
Identifiers: ClinVar variation 191625 (VCV000191625.12), dbSNP rs786205361, ClinGen allele CA022321.
Genomic context (GRCh38, chr18:31,519,807, plus strand): 5'-CTAATGTTCTATATTTATGACACATAATAAATTTTGGCAATATTCTATTGTTATAGGTCT[T>C]AAGCACAAGAAATGAAAATAAGCTGCTTCCTAAACATCCTCATTTAGTGCGGCAAAAGCG-3'
Protein context (NP_001934.2, residues 19-39): NVGSGLHLQV[Leu29Ser]STRNENKLLP